The following is an entry in ClinVar:

ClinVar aggregate classification (germline): Uncertain significance (1 of 4 stars; one submission).

Conditions:
Landau-Kleffner syndrome (FESD). Also called: APHASIA, ACQUIRED, WITH EPILEPSY; EPILEPSY, FOCAL, WITH SPEECH DISORDER AND WITH OR WITHOUT MENTAL RETARDATION. Identifiers: Orphanet 1945, Orphanet 725, Orphanet 98818, MedGen C0282512, MONDO:0009509, OMIM 245570.

Allele frequency attached by ClinVar (database versions not stated): TOPMed below 0.00001; ExAC 0.00001; gnomAD exomes 0.00001 and below 0.00001.
gnomAD v4.1: 14 of 1,614,182 alleles (0.00087%); highest among the groups gnomAD compares: Non-Finnish European, 0.0012%; no homozygotes.

Submission:

Labcorp Genetics (formerly Invitae), Labcorp
Classification: Uncertain significance for Landau-Kleffner syndrome. Last evaluated: 2023-01-10. Review status: criteria provided, single submitter. Criteria: Invitae Variant Classification Sherloc (09022015). Collection method: clinical testing. Allele origin: germline.
Comment: Advanced modeling of protein sequence and biophysical properties (such as structural, functional, and spatial information, amino acid conservation, physicochemical variation, residue mobility, and thermodynamic stability) performed at Invitae indicates that this missense variant is not expected to disrupt GRIN2A protein function. ClinVar contains an entry for this variant (Variation ID: 1022590). This variant has not been reported in the literature in individuals affected with GRIN2A-related conditions. This variant is present in population databases (rs764026892, gnomAD 0.0009%). This sequence change replaces valine, which is neutral and non-polar, with isoleucine, which is neutral and non-polar, at codon 70 of the GRIN2A protein (p.Val70Ile). In summary, the available evidence is currently insufficient to determine the role of this variant in disease. Therefore, it has been classified as a Variant of Uncertain Significance.

NM_001134407.3(GRIN2A):c.208G>A (p.Val70Ile)

Gene: GRIN2A (glutamate ionotropic receptor NMDA type subunit 2A; minus strand). Cytogenetic location: 16p13.2.
Variant type: single nucleotide variant.
Coding change: c.208G>A on transcript NM_001134407.3 (MANE Select); coding-DNA position 208, G replaced by A.
Protein change: p.Val70Ile; replaces valine 70 with isoleucine.
Molecular consequence: missense variant.
Genome position (GRCh38, 1-based): chr16:10,180,204, C>T on the plus strand (G>A on the coding strand, the complement: GRIN2A is on the minus strand). VCF-style: chr16-10180204-C-T. GRCh37 (hg19) VCF-style: chr16-10274061-C-T.
Other names: c.208G>A, p.Val70Ile (NM_000833.5, NM_001134408.2); short protein forms V70I.
Identifiers: ClinVar variation 1022590 (VCV001022590.9), dbSNP rs764026892, ClinGen allele CA7897026.